The following is an entry in ClinVar:

ClinVar aggregate classification (germline): Uncertain significance (1 of 4 stars; one submission).

Submission:

Labcorp Genetics (formerly Invitae), Labcorp
Classification: Uncertain significance. Last evaluated: 2024-08-12. Review status: criteria provided, single submitter. Criteria: Invitae Variant Classification Sherloc (09022015). Collection method: clinical testing. Allele origin: germline.
Comment: This sequence change replaces lysine, which is basic and polar, with glutamic acid, which is acidic and polar, at codon 192 of the GNAT2 protein (p.Lys192Glu). This variant is not present in population databases (gnomAD no frequency). This variant has not been reported in the literature in individuals affected with GNAT2-related conditions. ClinVar contains an entry for this variant (Variation ID: 1993804). Advanced modeling of protein sequence and biophysical properties (such as structural, functional, and spatial information, amino acid conservation, physicochemical variation, residue mobility, and thermodynamic stability) performed at Invitae indicates that this missense variant is not expected to disrupt GNAT2 protein function with a negative predictive value of 80%. In summary, the available evidence is currently insufficient to determine the role of this variant in disease. Therefore, it has been classified as a Variant of Uncertain Significance.

NM_001377295.2(GNAT2):c.574A>G (p.Lys192Glu)

Gene: GNAT2 (G protein subunit alpha transducin 2; minus strand). Cytogenetic location: 1p13.3.
Variant type: single nucleotide variant.
Coding change: c.574A>G on transcript NM_001377295.2 (MANE Select); coding-DNA position 574, A replaced by G.
Protein change: p.Lys192Glu; replaces lysine 192 with glutamic acid.
Molecular consequence: missense variant.
Genome position (GRCh38, 1-based): chr1:109,606,324, T>C on the plus strand (A>G on the coding strand, the complement: GNAT2 is on the minus strand). VCF-style: chr1-109606324-T-C. GRCh37 (hg19) VCF-style: chr1-110148946-T-C.
Other names: c.574A>G, p.Lys192Glu (NM_001379232.1, NM_005272.5); short protein forms K192E.
Identifiers: ClinVar variation 1993804 (VCV001993804.4), dbSNP rs2524338207, ClinGen allele CA341538217.